The following is an entry in ClinVar:

NM_020638.3(FGF23):c.592C>T (p.Arg198Trp)

Gene: FGF23 (fibroblast growth factor 23; minus strand). Cytogenetic location: 12p13.32.
Variant type: single nucleotide variant.
Coding change: c.592C>T on transcript NM_020638.3 (MANE Select); coding-DNA position 592, C replaced by T.
Protein change: p.Arg198Trp; replaces arginine 198 with tryptophan.
Molecular consequence: missense variant.
Genome position (GRCh38, 1-based): chr12:4,370,507, G>A on the plus strand (C>T on the coding strand, the complement: FGF23 is on the minus strand). VCF-style: chr12-4370507-G-A. GRCh37 (hg19) VCF-style: chr12-4479673-G-A.
Other names: short protein forms R198W.
Identifiers: ClinVar variation 1983542 (VCV001983542.4), dbSNP rs753097960, ClinGen allele CA6395646.

ClinVar aggregate classification (germline): Uncertain significance (1 of 4 stars; one submission).

Allele frequency attached by ClinVar (database versions not stated): TOPMed 0.00001; gnomAD 0.00003; ExAC 0.00006.
gnomAD v4.1: 37 of 1,611,266 alleles (0.0023%); highest among the groups gnomAD compares: Non-Finnish European, 0.0014%; no homozygotes.

Submission:

Labcorp Genetics (formerly Invitae), Labcorp
Classification: Uncertain significance. Last evaluated: 2025-09-22. Review status: criteria provided, single submitter. Criteria: Invitae Variant Classification Sherloc (09022015). Collection method: clinical testing. Allele origin: germline.
Comment: This sequence change replaces arginine, which is basic and polar, with tryptophan, which is neutral and slightly polar, at codon 198 of the FGF23 protein (p.Arg198Trp). This variant is present in population databases (rs753097960, gnomAD 0.02%). This variant has not been reported in the literature in individuals affected with FGF23-related conditions. ClinVar contains an entry for this variant (Variation ID: 1983542). Invitae Evidence Modeling of protein sequence and biophysical properties (such as structural, functional, and spatial information, amino acid conservation, physicochemical variation, residue mobility, and thermodynamic stability) has been performed for this missense variant. However, the output from this modeling did not meet the statistical confidence thresholds required to predict the impact of this variant on FGF23 protein function. In summary, the available evidence is currently insufficient to determine the role of this variant in disease. Therefore, it has been classified as a Variant of Uncertain Significance.